The following is an entry in ClinVar:

NM_003480.4(MFAP5):c.136C>T (p.Pro46Ser)

Gene: MFAP5 (microfibril associated protein 5; minus strand). Cytogenetic location: 12p13.31.
Variant type: single nucleotide variant.
Coding change: c.136C>T on transcript NM_003480.4 (MANE Select); coding-DNA position 136, C replaced by T.
Protein change: p.Pro46Ser; replaces proline 46 with serine.
Molecular consequence: missense variant. On other transcripts: non-coding transcript variant (2).
Genome position (GRCh38, 1-based): chr12:8,655,789, G>A on the plus strand (C>T on the coding strand, the complement: MFAP5 is on the minus strand). VCF-style: chr12-8655789-G-A. GRCh37 (hg19) VCF-style: chr12-8808385-G-A.
Other names: c.136C>T, p.Pro46Ser (NM_001297709.2, NM_001297711.2, NM_001297712.2); c.100C>T, p.Pro34Ser (NM_001297710.2); c.136C>T (NM_003480.3, NM_003480.2); short protein forms P34S, P46S.
Identifiers: ClinVar variation 1957667 (VCV001957667.9), dbSNP rs373540219, ClinGen allele CA6434740.

ClinVar aggregate classification (germline): Conflicting classifications of pathogenicity. Review status: criteria provided, conflicting classifications (1 of 4 stars). 4 submissions from 4 submitters: Uncertain significance (3); Likely benign (1). Last evaluated 2026-08-01.

Conditions:
Cardiovascular phenotype. Identifiers: MedGen CN230736.

Allele frequency attached by ClinVar (database versions not stated): TOPMed below 0.00001; ExAC 0.00001; ESP Exome Variant Server 0.00008.

Submissions (4):

CeGaT Center for Human Genetics Tuebingen
Classification: Likely benign. Last evaluated: 2026-08-01. Review status: criteria provided, single submitter. Criteria: CeGaT Center For Human Genetics Tuebingen Variant Classification Criteria Version 2. Collection method: clinical testing. Allele origin: germline. Affected: yes. Observed: 1 variant allele.
Comment: MFAP5: BP4

Ambry Genetics
Classification: Uncertain significance for Cardiovascular phenotype. Last evaluated: 2026-01-22. Review status: criteria provided, single submitter. Criteria: Ambry Variant Classification Scheme 2023. Collection method: clinical testing. Allele origin: germline.
Comment: The p.P46S variant (also known as c.136C>T), located in coding exon 3 of the MFAP5 gene, results from a C to T substitution at nucleotide position 136. The proline at codon 46 is replaced by serine, an amino acid with similar properties. This amino acid position is highly conserved in available vertebrate species. In addition, this alteration is predicted to be tolerated by in silico analysis. The evidence for this gene-disease relationship is limited; therefore, the clinical significance of this variant is unclear.

Labcorp Genetics (formerly Invitae), Labcorp
Classification: Uncertain significance. Last evaluated: 2025-12-22. Review status: criteria provided, single submitter. Criteria: Invitae Variant Classification Sherloc (09022015). Collection method: clinical testing. Allele origin: germline.
Comment: This sequence change replaces proline, which is neutral and non-polar, with serine, which is neutral and polar, at codon 46 of the MFAP5 protein (p.Pro46Ser). This variant is present in population databases (rs373540219, gnomAD 0.003%). This variant has not been reported in the literature in individuals affected with MFAP5-related conditions. ClinVar contains an entry for this variant (Variation ID: 1957667). An algorithm developed to predict the effect of missense changes on protein structure and function (PolyPhen-2) suggests that this variant is likely to be disruptive. In summary, the available evidence is currently insufficient to determine the role of this variant in disease. Therefore, it has been classified as a Variant of Uncertain Significance.

Women's Health and Genetics/Laboratory Corporation of America, LabCorp
Classification: Uncertain significance. Last evaluated: 2024-09-22. Review status: criteria provided, single submitter. Criteria: LabCorp Variant Classification Summary - May 2015. Collection method: clinical testing. Allele origin: germline.